The following is an entry in ClinVar:

NM_022356.4(P3H1):c.1060A>T (p.Arg354Ter)

Gene: P3H1 (prolyl 3-hydroxylase 1; minus strand). Cytogenetic location: 1p34.2.
Variant type: single nucleotide variant.
Coding change: c.1060A>T on transcript NM_022356.4 (MANE Select); coding-DNA position 1060, A replaced by T.
Protein change: p.Arg354Ter; replaces arginine 354 with a stop codon.
Molecular consequence: nonsense.
Genome position (GRCh38, 1-based): chr1:42,757,803, T>A on the plus strand (A>T on the coding strand, the complement: P3H1 is on the minus strand). VCF-style: chr1-42757803-T-A. GRCh37 (hg19) VCF-style: chr1-43223474-T-A.
Other names: c.1060A>T, p.Arg354Ter (NM_001146289.2, NM_001243246.2); short protein forms R354*.
Identifiers: ClinVar variation 655208 (VCV000655208.8), dbSNP rs1570472113, ClinGen allele CA339958779.

ClinVar aggregate classification (germline): Pathogenic (1 of 4 stars; one submission).

Conditions:
Osteogenesis imperfecta type 8 (OI8). Identifiers: MedGen C1970458, MONDO:0012581, OMIM 610915.

Submission:

Labcorp Genetics (formerly Invitae), Labcorp
Classification: Pathogenic for Osteogenesis imperfecta type 8. Last evaluated: 2023-11-17. Review status: criteria provided, single submitter. Criteria: Invitae Variant Classification Sherloc (09022015). Collection method: clinical testing. Allele origin: germline.
Comment: This sequence change creates a premature translational stop signal (p.Arg354*) in the P3H1 gene. It is expected to result in an absent or disrupted protein product. Loss-of-function variants in P3H1 are known to be pathogenic (PMID: 17277775, 18566967, 19088120, 22281939). This variant is not present in population databases (gnomAD no frequency). This premature translational stop signal has been observed in individual(s) with osteogenesis imperfecta type 3 (Invitae). In at least one individual the data is consistent with being in trans (on the opposite chromosome) from a pathogenic variant. ClinVar contains an entry for this variant (Variation ID: 655208). For these reasons, this variant has been classified as Pathogenic.

Literature cited by the submitters: PubMed 17277775; PubMed 18566967; PubMed 19088120; PubMed 22281939.